The following is an entry in ClinVar:

ClinVar aggregate classification (germline): Uncertain significance (0 of 4 stars; one submission).

Conditions:
PKD1L1-related disorder. Also called: PKD1L1-related condition.

Allele frequency attached by ClinVar (database versions not stated): TOPMed below 0.00001; gnomAD 0.00001.
gnomAD v4.1: 1 of 1,613,992 alleles (0.000062%); highest among the groups gnomAD compares: African/African-American, 0.0013%; no homozygotes.

Submission:

PreventionGenetics, part of Exact Sciences
Classification: Uncertain significance for PKD1L1-related condition. Last evaluated: 2024-02-14. Review status: no assertion criteria provided. Collection method: clinical testing. Allele origin: germline.
Comment: The PKD1L1 c.6686C>G variant is predicted to result in the amino acid substitution p.Pro2229Arg. To our knowledge, this variant has not been reported in the literature. This variant is reported in 0.011% of alleles in individuals of African descent in gnomAD. At this time, the clinical significance of this variant is uncertain due to the absence of conclusive functional and genetic evidence.

NM_138295.5(PKD1L1):c.6686C>G (p.Pro2229Arg)

Gene: PKD1L1 (polycystin 1 like 1, transient receptor potential channel interacting; minus strand). Cytogenetic location: 7p12.3.
Variant type: single nucleotide variant.
Coding change: c.6686C>G on transcript NM_138295.5 (MANE Select); coding-DNA position 6686, C replaced by G.
Protein change: p.Pro2229Arg; replaces proline 2229 with arginine.
Molecular consequence: missense variant.
Genome position (GRCh38, 1-based): chr7:47,829,474, G>C on the plus strand (C>G on the coding strand, the complement: PKD1L1 is on the minus strand). VCF-style: chr7-47829474-G-C. GRCh37 (hg19) VCF-style: chr7-47869072-G-C.
Other names: short protein forms P2229R.
Identifiers: ClinVar variation 3061712 (VCV003061712.2), dbSNP rs1301149704, ClinGen allele CA367477919.
Genomic context (GRCh38, chr7:47,829,474, plus strand): 5'-ATTTTTTTTACTTTTTCAACCTCGCCTGCACAGTCAGGAATACTGCAGCTTGAAGAGAAG[G>C]GGAGGCGAGTCCAGGAACGTTCTGCCAATTCAGAGTCCAGATCCCTGGTAGCCTCACATA-3'
Protein context (NP_612152.1, residues 2219-2239): ELAERSWTRL[Pro2229Arg]FSSSCSIPDC